The following is an entry in ClinVar:

NM_002382.5(MAX):c.154dup (p.Ser52fs)

Genes: MAX (MYC associated transcriptional regulator X; minus strand), MAX-AS1 (MAX antisense RNA 1; plus strand). Cytogenetic location: 14q23.3.
Variant type: Duplication.
Coding change: c.154dup on transcript NM_002382.5 (MANE Select); coding-DNA position 154, one base duplicated (T; older notation c.154dupT).
Protein change: p.Ser52fs; shifts the reading frame from serine 52.
Molecular consequence: frameshift variant. On other transcripts: non-coding transcript variant (12), 5 prime UTR variant (6), intron variant (1).
Genome position (GRCh38, 1-based): chr14:65,093,725, A duplicated on the plus strand (T on the coding strand, the reverse complement: MAX is on the minus strand). VCF-style (leftmost placement, unchanged base first): chr14-65093724-G-GA. GRCh37 (hg19) VCF-style: chr14-65560442-G-GA.
Other names: c.127dup, p.Ser43fs (NM_001271068.2, NM_001271069.2, NM_001407095.1 and 9 more transcripts); c.-121dup (NM_001320415.2, NM_001407105.1, NM_001407106.1 and 1 more transcripts); c.154dup, p.Ser52fs (NM_001407094.1, NM_001407096.1, NM_001407097.1 and 5 more transcripts); c.-214dup (NM_001407111.1, NM_001407112.1); c.177dup, p.His60fs (NM_001407114.1); c.63+7821dup (NM_001407098.1); short protein forms H60fs, S43fs, S52fs.
Identifiers: ClinVar variation 5038201 (VCV005038201.1).

ClinVar aggregate classification (germline): Pathogenic (1 of 4 stars; one submission).

Conditions:
Pheochromocytoma. Also called: MAX-Related Hereditary Paraganglioma-Pheochromocytoma Syndrome. Identifiers: Orphanet 29072, MedGen C0031511, MONDO:0008233, OMIM 171300, HP:0002666.

Submission:

MVZ Medizinische Genetik Mainz
Classification: Pathogenic for Pheochromocytoma. Last evaluated: 2026-04-28. Review status: criteria provided, single submitter. Criteria: UK Practice Guidelines For Variant Classification V4 01 2020. Collection method: clinical testing. Allele origin: germline. Inheritance: Autosomal dominant inheritance. Affected: yes. Observed: 1 variant allele.
Comment: ACMG Criteria: PVS1,PM2_SUP_MOD,PM5_SUP